The following is an entry in ClinVar:

NM_001083962.2(TCF4):c.1134del (p.Leu379fs)

Gene: TCF4 (transcription factor 4; minus strand). Cytogenetic location: 18q21.2.
Variant type: Deletion.
Coding change: c.1134del on transcript NM_001083962.2 (MANE Select); coding-DNA position 1134, one base deleted (C; older notation c.1134delC).
Protein change: p.Leu379fs; shifts the reading frame from leucine 379.
Molecular consequence: frameshift variant.
Genome position (GRCh38, 1-based): chr18:55,257,327, G deleted on the plus strand (C on the coding strand, the reverse complement: TCF4 is on the minus strand); the first of 3 consecutive G bases (chr18:55,257,327-55,257,329); deleting any one gives the same sequence. VCF-style (leftmost placement, unchanged base first): chr18-55257326-AG-A. GRCh37 (hg19) VCF-style: chr18-52924557-AG-A.
Other names: c.1440del, p.Leu481fs (NM_001243226.3); c.1062del, p.Leu355fs (NM_001243227.2, NM_001306207.1, NM_001348217.1 and 5 more transcripts); c.1152del, p.Leu385fs (NM_001243228.2); c.1125del, p.Leu376fs (NM_001243230.2); c.1008del, p.Leu337fs (NM_001243231.2, NM_001348211.2); c.921del, p.Leu308fs (NM_001243232.1, NM_001306208.1); c.744del, p.Leu249fs (NM_001243233.2, NM_001330605.3, NM_001348212.2 and 1 more transcripts); c.654del, p.Leu219fs (NM_001243234.2, NM_001243235.2, NM_001243236.2 and 1 more transcripts); and 6 more; short protein forms L163fs, L218fs, L219fs, L249fs, L308fs, L337fs, L354fs, L355fs.
Identifiers: ClinVar variation 3067665 (VCV003067665.22), dbSNP rs2512179036, ClinGen allele CA2739290591.

ClinVar aggregate classification (germline): Pathogenic. Review status: criteria provided, multiple submitters, no conflicts (2 of 4 stars). 2 submissions from 2 submitters: Pathogenic (2). Last evaluated 2026-01-15.

Conditions:
Pitt-Hopkins syndrome (PTHS). Also called: ENCEPHALOPATHY, SEVERE EPILEPTIC, WITH AUTONOMIC DYSFUNCTION; MENTAL RETARDATION, SYNDROMAL, WITH INTERMITTENT HYPERVENTILATION. Identifiers: Orphanet 2896, MedGen C1970431, MONDO:0012589, OMIM 610954.

Submissions (2):

Victorian Clinical Genetics Services, Murdoch Childrens Research Institute
Classification: Pathogenic for Pitt-Hopkins syndrome. Last evaluated: 2026-01-15. Review status: criteria provided, single submitter. Criteria: ACMG Guidelines, 2015. Collection method: clinical testing. Allele origin: germline. Affected: yes.
Comment: This variant is classified as Pathogenic. Evidence in support of pathogenic classification: Variant is predicted to cause nonsense-mediated decay (NMD) and loss of protein (premature termination codon is located at least 54 nucleotides upstream of the final exon-exon junction); Variant is absent from gnomAD (v2, v3 and v4); This variant has limited previous evidence of pathogenicity in an unrelated individual. This variant has been classified as pathogenic by a clinical laboratory in ClinVar; Other NMD-predicted variants comparable to the one identified in this case have very strong previous evidence for pathogenicity (DECIPHER). Additional information: This variant is heterozygous; This gene is associated with autosomal dominant disease; Loss of function is a known mechanism of disease in this gene and is associated with Pitt-Hopkins syndrome (MIM#610954). Dominant negative is a suggested mechanism for some missense variants (PMID: 22460224, 34134113). Fuchs endothelial corneal dystrophy (MIM#613267) is caused by expanded CTG repeats (OMIM), where the mechanism is unclear; The corneal dystrophy condition associated with this gene has incomplete penetrance (OMIM); Inheritance information for this variant is not currently available in this individual.

CeGaT Center for Human Genetics Tuebingen
Classification: Pathogenic. Last evaluated: 2024-03-01. Review status: criteria provided, single submitter. Criteria: CeGaT Center For Human Genetics Tuebingen Variant Classification Criteria Version 2. Collection method: clinical testing. Allele origin: germline. Affected: yes. Observed: 1 variant allele.
Comment: TCF4: PVS1, PM2

Literature cited by the submitters: PubMed 34134113 (cited by Victorian Clinical Genetics Services, Murdoch Childrens Research Institute); PubMed 22460224 (cited by Victorian Clinical Genetics Services, Murdoch Childrens Research Institute).